The following is an entry in ClinVar:

ClinVar aggregate classification (germline): Conflicting classifications of pathogenicity. Review status: criteria provided, conflicting classifications (1 of 4 stars). 4 submissions from 4 submitters: Uncertain significance (2); Likely benign (2). Last evaluated 2026-03-09.

Conditions:
Inborn genetic diseases. Identifiers: MedGen C0950123, MeSH D030342.
Primary pulmonary hypertension. Also called: Idiopathic pulmonary hypertension. Identifiers: MedGen C0152171.

Submissions (4):

GeneDx
Classification: Uncertain significance. Last evaluated: 2026-03-09. Review status: criteria provided, single submitter. Criteria: GeneDx Variant Classification Process June 2021. Collection method: clinical testing. Allele origin: germline.
Comment: Not observed at significant frequency in large population cohorts (gnomAD); In silico analysis suggests that this missense variant does not alter protein structure/function; Has not been previously published as pathogenic or benign to our knowledge

Ambry Genetics
Classification: Uncertain significance for Inborn genetic diseases. Last evaluated: 2025-04-17. Review status: criteria provided, single submitter. Criteria: Ambry Variant Classification Scheme 2023. Collection method: clinical testing. Allele origin: germline.

Labcorp Genetics (formerly Invitae), Labcorp
Classification: Likely benign for Primary pulmonary hypertension. Last evaluated: 2024-06-11. Review status: criteria provided, single submitter. Criteria: Invitae Variant Classification Sherloc (09022015). Collection method: clinical testing. Allele origin: germline.

Blueprint Genetics
Classification: Likely benign. Last evaluated: 2024-05-10. Review status: criteria provided, single submitter. Criteria: ACMG Guidelines, 2015. Collection method: clinical testing. Allele origin: germline.

NM_001204.7(BMPR2):c.3070A>G (p.Thr1024Ala)

Gene: BMPR2 (bone morphogenetic protein receptor type 2; plus strand). Cytogenetic location: 2q33.2.
Variant type: single nucleotide variant.
Coding change: c.3070A>G on transcript NM_001204.7 (MANE Select); coding-DNA position 3070, A replaced by G.
Protein change: p.Thr1024Ala; replaces threonine 1024 with alanine.
Molecular consequence: missense variant.
Genome position (GRCh38, 1-based): chr2:202,559,899, A>G. VCF-style: chr2-202559899-A-G. GRCh37 (hg19) VCF-style: chr2-203424622-A-G.
Other names: short protein forms T1024A.
Identifiers: ClinVar variation 3671376 (VCV003671376.6).